The following is an entry in ClinVar:

NM_000222.3(KIT):c.2900C>T (p.Ser967Phe)

Gene: KIT (KIT proto-oncogene, receptor tyrosine kinase; plus strand). Cytogenetic location: 4q12.
Variant type: single nucleotide variant.
Coding change: c.2900C>T on transcript NM_000222.3 (MANE Select); coding-DNA position 2900, C replaced by T.
Protein change: p.Ser967Phe; replaces serine 967 with phenylalanine.
Molecular consequence: missense variant.
Genome position (GRCh38, 1-based): chr4:54,738,526, C>T. VCF-style: chr4-54738526-C-T. GRCh37 (hg19) VCF-style: chr4-55604692-C-T.
Other names: c.2888C>T, p.Ser963Phe (NM_001093772.2, NM_001385292.1); c.2903C>T, p.Ser968Phe (NM_001385284.1); c.2897C>T, p.Ser966Phe (NM_001385285.1); c.2885C>T, p.Ser962Phe (NM_001385286.1); c.2891C>T, p.Ser964Phe (NM_001385288.1); c.2900C>T, p.Ser967Phe (NM_001385290.1); short protein forms S962F, S963F, S964F, S966F, S967F, S968F.
Identifiers: ClinVar variation 2676220 (VCV002676220.4), dbSNP rs1232060384, ClinGen allele CA356916512.

ClinVar aggregate classification (germline): Uncertain significance. Review status: criteria provided, multiple submitters, no conflicts (2 of 4 stars). 3 submissions from 3 submitters: Uncertain significance (3). Last evaluated 2025-12-05.

Conditions:
Gastrointestinal stromal tumor. Also called: Gastrointestinal stromal tumor, somatic; Gastrointestinal stroma tumor. Identifiers: Orphanet 44890, MedGen C0238198, MeSH D046152, MONDO:0011719, OMIM 606764, HP:0100723.
Hereditary cancer-predisposing syndrome. Also called: Neoplastic Syndromes, Hereditary; Hereditary neoplastic syndrome; Tumor predisposition; Hereditary Cancer Syndrome. Identifiers: Orphanet 140162, MedGen C0027672, MeSH D009386, MONDO:0015356.

Submissions (3):

Ambry Genetics
Classification: Uncertain significance for Hereditary cancer-predisposing syndrome. Last evaluated: 2025-12-05. Review status: criteria provided, single submitter. Criteria: Ambry Variant Classification Scheme 2023. Collection method: clinical testing. Allele origin: germline.
Comment: The p.S967F variant (also known as c.2900C>T), located in coding exon 21 of the KIT gene, results from a C to T substitution at nucleotide position 2900. The serine at codon 967 is replaced by phenylalanine, an amino acid with highly dissimilar properties. This amino acid position is poorly conserved in available vertebrate species. In addition, this alteration is predicted to be tolerated by in silico analysis. Based on the available evidence, the clinical significance of this variant remains unclear.

Baylor Genetics
Classification: Uncertain significance for Gastrointestinal stromal tumor. Last evaluated: 2023-06-20. Review status: criteria provided, single submitter. Criteria: ACMG Guidelines, 2015. Collection method: clinical testing. Allele origin: unknown.

Labcorp Genetics (formerly Invitae), Labcorp
Classification: Uncertain significance for Gastrointestinal stromal tumor. Last evaluated: 2023-03-17. Review status: criteria provided, single submitter. Criteria: Invitae Variant Classification Sherloc (09022015). Collection method: clinical testing. Allele origin: germline.
Comment: In summary, the available evidence is currently insufficient to determine the role of this variant in disease. Therefore, it has been classified as a Variant of Uncertain Significance. An algorithm developed to predict the effect of missense changes on protein structure and function (PolyPhen-2) suggests that this variant is likely to be tolerated. This variant has not been reported in the literature in individuals affected with KIT-related conditions. This variant is not present in population databases (gnomAD no frequency). This sequence change replaces serine, which is neutral and polar, with phenylalanine, which is neutral and non-polar, at codon 967 of the KIT protein (p.Ser967Phe).